The following is an entry in ClinVar:

NM_000572.3(IL10):c.316A>C (p.Lys106Gln)

Genes: IL10 (interleukin 10; minus strand), IL19 (interleukin 19; plus strand), LOC129932369 (ATAC-STARR-seq lymphoblastoid active region 2419; plus strand). Cytogenetic location: 1q32.1.
Variant type: single nucleotide variant.
Coding change: c.316A>C on transcript NM_000572.3 (MANE Select); coding-DNA position 316, A replaced by C.
Protein change: p.Lys106Gln; replaces lysine 106 with glutamine.
Molecular consequence: missense variant. On other transcripts: 5 prime UTR variant (1), non-coding transcript variant (1), intron variant (1).
Genome position (GRCh38, 1-based): chr1:206,770,969, T>G on the plus strand (A>C on the coding strand, the complement: IL10 is on the minus strand). VCF-style: chr1-206770969-T-G. GRCh37 (hg19) VCF-style: chr1-206944314-T-G.
Other names: c.-258T>G (NM_153758.5); c.61A>C, p.Lys21Gln (NM_001382624.1); c.-149+139T>G (NM_001393490.1); short protein forms K21Q, K106Q.
Identifiers: ClinVar variation 4696283 (VCV004696283.1).

ClinVar aggregate classification (germline): Uncertain significance (1 of 4 stars; one submission).

Conditions:
Inflammatory bowel disease. Identifiers: Orphanet 104012, MedGen C0021390, MONDO:0005265.

Submission:

Labcorp Genetics (formerly Invitae), Labcorp
Classification: Uncertain significance for Inflammatory bowel disease. Last evaluated: 2025-07-15. Review status: criteria provided, single submitter. Criteria: Invitae Variant Classification Sherloc (09022015). Collection method: clinical testing. Allele origin: germline.
Comment: This sequence change replaces lysine, which is basic and polar, with glutamine, which is neutral and polar, at codon 106 of the IL10 protein (p.Lys106Gln). This variant is not present in population databases (gnomAD no frequency). This variant has not been reported in the literature in individuals affected with IL10-related conditions. An algorithm developed to predict the effect of missense changes on protein structure and function (PolyPhen-2) suggests that this variant is likely to be tolerated. In summary, the available evidence is currently insufficient to determine the role of this variant in disease. Therefore, it has been classified as a Variant of Uncertain Significance.